The following is an entry in ClinVar:

ClinVar aggregate classification (germline): Likely pathogenic. Review status: criteria provided, multiple submitters, no conflicts (2 of 4 stars). 4 submissions from 4 submitters: Likely pathogenic (4). Last evaluated 2025-06-15.

Conditions:
Cardiovascular phenotype. Identifiers: MedGen CN230736.
Autosomal recessive limb-girdle muscular dystrophy type 2J (LGMDR10). Also called: MUSCULAR DYSTROPHY, LIMB-GIRDLE, AUTOSOMAL RECESSIVE 10; Limb-girdle muscular dystrophy, type 2J. Identifiers: Orphanet 140922, MedGen C1837342, MONDO:0012127, OMIM 608807.
Dilated cardiomyopathy 1G (CMD1G). Identifiers: Orphanet 154, MedGen C1858763, MONDO:0011400, OMIM 604145.
Myopathy, myofibrillar, 9, with early respiratory failure (MFM9). Also called: Myopathy, distal, with early respiratory failure, autosomal dominant; Hereditary myopathy with early respiratory failure; EDSTROM MYOPATHY; MYOPATHY, PROXIMAL, WITH EARLY RESPIRATORY MUSCLE INVOLVEMENT. Identifiers: Orphanet 178464, Orphanet 34521, MedGen C1863599, MONDO:0011362, OMIM 603689.
Tibial muscular dystrophy (TMD). Also called: UDD MYOPATHY; Tibial muscular dystrophy, tardive; Udd Distal Myopathy – Tibial Muscular Dystrophy. Identifiers: Orphanet 609, MedGen C1838244, MONDO:0010870, OMIM 600334.
Early-onset myopathy with fatal cardiomyopathy (CMYO5). Also called: Salih Myopathy; CONGENITAL MYOPATHY 5 WITH CARDIOMYOPATHY. Identifiers: Orphanet 289377, MedGen C2673677, MONDO:0012714, OMIM 611705. Disease mechanism: loss of function.
Hypertrophic cardiomyopathy 9. Also called: Familial hypertrophic cardiomyopathy 9. Identifiers: MedGen C1861065, MONDO:0013412, OMIM 613765.

Submissions (4):

Labcorp Genetics (formerly Invitae), Labcorp
Classification: Likely pathogenic for Dilated cardiomyopathy 1G; Autosomal recessive limb-girdle muscular dystrophy type 2J. Last evaluated: 2025-06-15. Review status: criteria provided, single submitter. Criteria: Invitae Variant Classification Sherloc (09022015). Collection method: clinical testing. Allele origin: germline.
Comment: This sequence change creates a premature translational stop signal (p.Lys16690Argfs*26) in the TTN gene. While this is not anticipated to result in nonsense mediated decay, it is expected to create a truncated TTN protein. This variant is not present in population databases (gnomAD no frequency). This premature translational stop signal has been observed in individual(s) with clinical features of dilated cardiomyopathy (internal data). ClinVar contains an entry for this variant (Variation ID: 422980). This variant is located in the A band of TTN (PMID: 25589632). Truncating variants in this region are significantly overrepresented in patients affected with dilated cardiomyopathy (PMID: 25589632). Truncating variants in this region have also been reported in individuals affected with autosomal recessive centronuclear myopathy (PMID: 23975875). In summary, the currently available evidence indicates that the variant is pathogenic, but additional data are needed to prove that conclusively. Therefore, this variant has been classified as Likely Pathogenic.

Fulgent Genetics
Classification: Likely pathogenic for Tibial muscular dystrophy; Myopathy, myofibrillar, 9, with early respiratory failure; Dilated cardiomyopathy 1G; Autosomal recessive limb-girdle muscular dystrophy type 2J; Early-onset myopathy with fatal cardiomyopathy; Hypertrophic cardiomyopathy 9. Last evaluated: 2024-04-18. Review status: criteria provided, single submitter. Criteria: ACMG Guidelines, 2015. Collection method: clinical testing. Allele origin: germline.

Ambry Genetics
Classification: Likely pathogenic for Cardiovascular phenotype. Last evaluated: 2023-07-14. Review status: criteria provided, single submitter. Criteria: Ambry Variant Classification Scheme 2023. Collection method: clinical testing. Allele origin: germline.
Comment: The c.22874delA variant, located in coding exon 93 of the TTN gene, results from a deletion of one nucleotide at nucleotide position 22874, causing a translational frameshift with a predicted alternate stop codon (p.K7625Rfs*26). Exon 93 is located in the A-band region of the N2-B isoform of the titin protein and is constitutively expressed in TTN transcripts (percent spliced in or PSI 100%). This variant is considered to be rare based on population cohorts in the Genome Aggregation Database (gnomAD). This alteration is expected to result in loss of function by premature protein truncation or nonsense-mediated mRNA decay. While truncating variants in TTN are present in 1-3% of the general population, truncating variants in the A-band are the most common cause of dilated cardiomyopathy (DCM) (Herman DS et al. N. Engl. J. Med., 2012 Feb;366:619-28; Roberts AM et al. Sci Transl Med, 2015 Jan;7:270ra6). TTN truncating variants encoded in constitutive exons (PSI >90%) have been found to be significantly associated with DCM regardless of their position in titin (Schafer S et al. Nat. Genet., 2017 01;49:46-53). As such, this alteration is classified as likely pathogenic.

GeneDx
Classification: Likely pathogenic. Last evaluated: 2021-07-15. Review status: criteria provided, single submitter. Criteria: GeneDx Variant Classification Process June 2021. Collection method: clinical testing. Allele origin: germline. Affected: yes.
Comment: Has not been previously published as pathogenic or benign to our knowledge; Not observed in large population cohorts (Lek et al., 2016); Frameshift variant predicted to result in protein truncation or nonsense mediated decay in a gene for which loss-of-function is a known mechanism of disease; Located in the A-band region of titin, where the majority of truncating pathogenic variants associated with DCM have been reported (Herman et al., 2012); This variant is associated with the following publications: (PMID: 27535533)

Literature cited by the submitters: PubMed 25589632 (cited by Labcorp Genetics (formerly Invitae), Labcorp); PubMed 23975875 (cited by Labcorp Genetics (formerly Invitae), Labcorp).

NM_001267550.2(TTN):c.50069del (p.Lys16690fs)

Genes: TTN (titin; minus strand), TTN-AS1 (TTN antisense RNA 1; plus strand). Cytogenetic location: 2q31.2.
Variant type: Deletion.
Coding change: c.50069del on transcript NM_001267550.2 (MANE Select); coding-DNA position 50069, one base deleted (A; older notation c.50069delA).
Protein change: p.Lys16690fs; shifts the reading frame from lysine 16690.
Molecular consequence: frameshift variant.
Genome position (GRCh38, 1-based): chr2:178,612,456, T deleted on the plus strand (A on the coding strand, the reverse complement: TTN is on the minus strand); the first of 4 consecutive T bases (chr2:178,612,456-178,612,459); deleting any one gives the same sequence. VCF-style (leftmost placement, unchanged base first): chr2-178612455-CT-C. GRCh37 (hg19) VCF-style: chr2-179477182-CT-C.
Other names: c.45146del, p.Lys15049fs (NM_001256850.1); c.22874del, p.Lys7625fs (NM_003319.4); c.42365del, p.Lys14122fs (NM_133378.4); c.23249del, p.Lys7750fs (NM_133432.3); c.23450del, p.Lys7817fs (NM_133437.4); c.45146delA (NM_001256850.1); c.22874delA (NM_003319.4); short protein forms K15049fs, K7750fs, K16690fs, K14122fs, K7625fs, K7817fs.
Identifiers: ClinVar variation 422980 (VCV000422980.8), dbSNP rs1064796139, ClinGen allele CA16617373.